The following is an entry in ClinVar:

ClinVar aggregate classification (germline): Conflicting classifications of pathogenicity. Review status: criteria provided, conflicting classifications (1 of 4 stars). 2 submissions from 2 submitters: Uncertain significance (1); Benign (1). Last evaluated 2025-09-06.

Conditions:
Heterotopia, periventricular, X-linked dominant (PVNH1). Also called: PERIVENTRICULAR NODULAR HETEROTOPIA 1; X-linked periventricular heterotopia; PERIVENTRICULAR NODULAR HETEROTOPIA 4; HETEROTOPIA, PERIVENTRICULAR, 1. Identifiers: Orphanet 2149, Orphanet 82004, MedGen C1848213, MONDO:0010233, OMIM 300049.
Oto-palato-digital syndrome, type II (OPD2). Also called: OPD II SYNDROME; Otopalatodigital Syndrome, Type II; Otopalatodigital Syndrome Type 2 (FLNA-OPD2); FACIOPALATOOSSEOUS SYNDROME. Identifiers: Orphanet 669, Orphanet 90652, MedGen C1844696, MONDO:0010571, OMIM 304120.
Melnick-Needles syndrome (MNS). Also called: MELNICK-NEEDLES OSTEODYSPLASTY; OSTEODYSPLASTY OF MELNICK AND NEEDLES; Melnick-Needles Syndrome (FLNA-MNS). Identifiers: Orphanet 2484, MedGen C0025237, MONDO:0010650, OMIM 309350.
Frontometaphyseal dysplasia (FMD1). Identifiers: Orphanet 1826, MedGen C0265293, MONDO:0015942.
Familial thoracic aortic aneurysm and aortic dissection (TAAD). Also called: Thoracic aortic aneurysms and dissections. Identifiers: Orphanet 91387, MedGen C4707243, MONDO:0019625.

Allele frequency attached by ClinVar (database versions not stated): ExAC 0.00001; gnomAD exomes 0.00001 and below 0.00001; TOPMed 0.00002; gnomAD 0.00005; 1000 Genomes Project 30x 0.00021.
gnomAD v4.1: 10 of 1,208,896 alleles (0.00083%); highest among the groups gnomAD compares: African/African-American, 0.014%; no homozygotes.

Submissions (2):

Labcorp Genetics (formerly Invitae), Labcorp
Classification: Benign for Oto-palato-digital syndrome, type II; Heterotopia, periventricular, X-linked dominant; Frontometaphyseal dysplasia; Melnick-Needles syndrome. Last evaluated: 2025-09-06. Review status: criteria provided, single submitter. Criteria: Invitae Variant Classification Sherloc (09022015). Collection method: clinical testing. Allele origin: germline.

Ambry Genetics
Classification: Uncertain significance for Familial thoracic aortic aneurysm and aortic dissection. Last evaluated: 2024-11-27. Review status: criteria provided, single submitter. Criteria: Ambry Variant Classification Scheme 2023. Collection method: clinical testing. Allele origin: germline.
Comment: The p.V2314M variant (also known as c.6940G>A), located in coding exon 41 of the FLNA gene, results from a G to A substitution at nucleotide position 6940. The valine at codon 2314 is replaced by methionine, an amino acid with highly similar properties. This amino acid position is well conserved in available vertebrate species. In addition, this alteration is predicted to be tolerated by in silico analysis. Based on data from gnomAD, the A allele has an overall frequency of 0.0015% (3/203070) total alleles studied, with no hemizygote(s) observed. The highest observed frequency was 0.0165% (3/18228) of African/African American alleles. Based on the available evidence, the clinical significance of this variant remains unclear.

NM_001110556.2(FLNA):c.6964G>A (p.Val2322Met)

Gene: FLNA (filamin A; minus strand). Cytogenetic location: Xq28.
Variant type: single nucleotide variant.
Coding change: c.6964G>A on transcript NM_001110556.2 (MANE Select); coding-DNA position 6964, G replaced by A.
Protein change: p.Val2322Met; replaces valine 2322 with methionine.
Molecular consequence: missense variant.
Genome position (GRCh38, 1-based): chrX:154,351,640, C>T on the plus strand (G>A on the coding strand, the complement: FLNA is on the minus strand). VCF-style: chrX-154351640-C-T. GRCh37 (hg19) VCF-style: chrX-153580008-C-T.
Other names: c.6940G>A, p.Val2314Met (NM_001456.4); short protein forms V2314M, V2322M.
Identifiers: ClinVar variation 1346306 (VCV001346306.7), dbSNP rs782084497, ClinGen allele CA325178.
Genomic context (GRCh38, chrX:154,351,640, plus strand): 5'-CCTGAAGGCTAGAAACAGTGAGGCGGCGGGCGTCGCCAGACGGAGAAGCCACAGGCACCA[C>T]GAAGGGGCTGTCGGGAATGTGTTCCTCGTTGAACTTGACTGAGACTTCGTAGTCACCTGG-3'
Protein context (NP_001104026.1, residues 2312-2332): NEEHIPDSPF[Val2322Met]VPVASPSGDA